The following is an entry in ClinVar:

NM_001323289.2(CDKL5):c.2066C>T (p.Pro689Leu)

Gene: CDKL5 (cyclin dependent kinase like 5; plus strand). Cytogenetic location: Xp22.13.
Variant type: single nucleotide variant.
Coding change: c.2066C>T on transcript NM_001323289.2 (MANE Select); coding-DNA position 2066, C replaced by T.
Protein change: p.Pro689Leu; replaces proline 689 with leucine.
Molecular consequence: missense variant.
Genome position (GRCh38, 1-based): chrX:18,609,484, C>T. VCF-style: chrX-18609484-C-T. GRCh37 (hg19) VCF-style: chrX-18627604-C-T.
Other names: c.2066C>T, p.Pro689Leu (NM_001037343.2, NM_003159.3); short protein forms P689L.
Identifiers: ClinVar variation 972202 (VCV000972202.10), dbSNP rs1326292288, ClinGen allele CA412366322.

ClinVar aggregate classification (germline): Uncertain significance (1 of 4 stars; one submission).

Conditions:
Developmental and epileptic encephalopathy, 2 (DEE2). Also called: CDKL5 deficiency disorder; INFANTILE SPASM SYNDROME, X-LINKED 2. Identifiers: Orphanet 1934, Orphanet 3451, Orphanet 505652, MedGen C4750718, MONDO:0010396, OMIM 300672.
Angelman syndrome-like. Identifiers: MedGen CN128785.

Submission:

Labcorp Genetics (formerly Invitae), Labcorp
Classification: Uncertain significance for Developmental and epileptic encephalopathy, 2; Angelman syndrome-like. Last evaluated: 2020-01-28. Review status: criteria provided, single submitter. Criteria: Invitae Variant Classification Sherloc (09022015). Collection method: clinical testing. Allele origin: germline.
Comment: In summary, the available evidence is currently insufficient to determine the role of this variant in disease. Therefore, it has been classified as a Variant of Uncertain Significance. Algorithms developed to predict the effect of missense changes on protein structure and function are either unavailable or do not agree on the potential impact of this missense change (SIFT: "Deleterious"; PolyPhen-2: "Possibly Damaging"; Align-GVGD: "Class C0"). This variant has not been reported in the literature in individuals with CDKL5-related conditions. This variant is not present in population databases (ExAC no frequency). This sequence change replaces proline with leucine at codon 689 of the CDKL5 protein (p.Pro689Leu). The proline residue is highly conserved and there is a moderate physicochemical difference between proline and leucine.